The following is an entry in ClinVar:

ClinVar aggregate classification (germline): Uncertain significance (1 of 4 stars; one submission).

Conditions:
Hereditary cancer-predisposing syndrome. Also called: Neoplastic Syndromes, Hereditary; Tumor predisposition; Hereditary neoplastic syndrome; Hereditary Cancer Syndrome. Identifiers: Orphanet 140162, MedGen C0027672, MeSH D009386, MONDO:0015356.

Submission:

Ambry Genetics
Classification: Uncertain significance for Hereditary cancer-predisposing syndrome. Last evaluated: 2022-11-10. Review status: criteria provided, single submitter. Criteria: Ambry Variant Classification Scheme 2023. Collection method: clinical testing. Allele origin: germline.
Comment: The p.D336V variant (also known as c.1007A>T), located in coding exon 8 of the SDHA gene, results from an A to T substitution at nucleotide position 1007. The aspartic acid at codon 336 is replaced by valine, an amino acid with highly dissimilar properties. This amino acid position is conserved. In addition, this alteration is predicted to be deleterious by in silico analysis. Since supporting evidence is limited at this time, the clinical significance of this alteration remains unclear.

NM_004168.4(SDHA):c.1007A>T (p.Asp336Val)

Gene: SDHA (succinate dehydrogenase complex flavoprotein subunit A; plus strand). Cytogenetic location: 5p15.33.
Variant type: single nucleotide variant.
Coding change: c.1007A>T on transcript NM_004168.4 (MANE Select); coding-DNA position 1007, A replaced by T.
Protein change: p.Asp336Val; replaces aspartic acid 336 with valine.
Molecular consequence: missense variant.
Genome position (GRCh38, 1-based): chr5:233,588, A>T. VCF-style: chr5-233588-A-T. GRCh37 (hg19) VCF-style: chr5-233703-A-T.
Other names: c.863A>T, p.Asp288Val (NM_001294332.2); c.1007A>T, p.Asp336Val (NM_001330758.2); short protein forms D288V, D336V.
Identifiers: ClinVar variation 2452786 (VCV002452786.2), dbSNP rs1579402533, ClinGen allele CA359012848.